The following is an entry in ClinVar:

NM_000216.4(ANOS1):c.1267C>T (p.Arg423Ter)

Gene: ANOS1 (anosmin 1; minus strand). Cytogenetic location: Xp22.31.
Variant type: single nucleotide variant.
Coding change: c.1267C>T on transcript NM_000216.4 (MANE Select); coding-DNA position 1267, C replaced by T.
Protein change: p.Arg423Ter; replaces arginine 423 with a stop codon.
Molecular consequence: nonsense.
Genome position (GRCh38, 1-based): chrX:8,554,039, G>A on the plus strand (C>T on the coding strand, the complement: ANOS1 is on the minus strand). VCF-style: chrX-8554039-G-A. GRCh37 (hg19) VCF-style: chrX-8522080-G-A.
Other names: short protein forms R423*.
Identifiers: ClinVar variation 488697 (VCV000488697.10), dbSNP rs1555893221, ClinGen allele CA411992507.

ClinVar aggregate classification (germline): Pathogenic. Review status: criteria provided, multiple submitters, no conflicts (2 of 4 stars). 3 submissions from 3 submitters: Pathogenic (3). Last evaluated 2023-06-30.

Conditions:
Hypogonadotropic hypogonadism 1 with or without anosmia (HH1). Also called: Kallmann syndrome, type 1, X-linked; KAL1-Related GnRH Deficiency (Kallmann Syndrome 1; Kallmann Syndrome, X-Linked); HYPOGONADOTROPIC HYPOGONADISM AND ANOSMIA; HYPOGONADOTROPIC HYPOGONADISM 1 WITH ANOSMIA; Hypogonadotropic hypogonadism 1 with or without anosmia (Kallmann syndrome 1); DYSPLASIA OLFACTOGENITALIS OF DE MORSIER. Identifiers: Orphanet 478, MedGen C1563719, MONDO:0010635, OMIM 308700. Disease mechanism: loss of function.
ANOS1-related disorder. Also called: ANOS1-related condition.

Submissions (3):

Labcorp Genetics (formerly Invitae), Labcorp
Classification: Pathogenic for Hypogonadotropic hypogonadism 1 with or without anosmia. Last evaluated: 2023-06-30. Review status: criteria provided, single submitter. Criteria: Invitae Variant Classification Sherloc (09022015). Collection method: clinical testing. Allele origin: germline.
Comment: This sequence change creates a premature translational stop signal (p.Arg423*) in the ANOS1 gene. It is expected to result in an absent or disrupted protein product. Loss-of-function variants in ANOS1 are known to be pathogenic (PMID: 8504298, 11297579). This variant is not present in population databases (gnomAD no frequency). This premature translational stop signal has been observed in individual(s) with Kallmann syndrome and sexual development disorders (PMID: 8504298, 15605412, 23643382, 23849776, 26862482, 28295047, 29211946). In at least one individual the variant was observed to be de novo. ClinVar contains an entry for this variant (Variation ID: 488697). For these reasons, this variant has been classified as Pathogenic.

Blueprint Genetics
Classification: Pathogenic for ANOS1-related disorders. Last evaluated: 2020-09-18. Review status: criteria provided, single submitter. Criteria: ACMG Guidelines, 2015. Collection method: clinical testing. Allele origin: germline. Affected: yes. Observed: 1 variant allele.

GeneDx
Classification: Pathogenic. Last evaluated: 2017-04-03. Review status: criteria provided, single submitter. Criteria: GeneDx Variant Classification (06012015). Collection method: clinical testing. Allele origin: germline. Affected: yes.
Comment: The R423X nonsense variant in the KAL1 gene has been reported previously in association with Kallmann Syndrome (Hardelin et al., 1993). This pathogenic variant is predicted to cause loss of normal protein function either through protein truncation or nonsense mediated mRNA decay. The R423X variant is not observed in large population cohorts (Lek et al., 2016; 1000 Genomes Consortium et al., 2015; Exome Variant Server).

Literature cited by the submitters: PubMed 8504298 (cited by Labcorp Genetics (formerly Invitae), Labcorp); PubMed 11297579 (cited by Labcorp Genetics (formerly Invitae), Labcorp); PubMed 15605412 (cited by Labcorp Genetics (formerly Invitae), Labcorp); PubMed 23643382 (cited by Labcorp Genetics (formerly Invitae), Labcorp); PubMed 23849776 (cited by Labcorp Genetics (formerly Invitae), Labcorp); PubMed 26862482 (cited by Labcorp Genetics (formerly Invitae), Labcorp); PubMed 28295047 (cited by Labcorp Genetics (formerly Invitae), Labcorp); PubMed 29211946 (cited by Labcorp Genetics (formerly Invitae), Labcorp).